The following is an entry in ClinVar:

ClinVar aggregate classification (germline): Uncertain significance (1 of 4 stars; one submission).

Allele frequency attached by ClinVar (database versions not stated): gnomAD exomes below 0.00001.
gnomAD v4.1: 1 of 1,612,768 alleles (0.000062%); highest among the groups gnomAD compares: Admixed American, 0.0017%; no homozygotes.

Submission:

Labcorp Genetics (formerly Invitae), Labcorp
Classification: Uncertain significance. Last evaluated: 2021-11-09. Review status: criteria provided, single submitter. Criteria: Invitae Variant Classification Sherloc (09022015). Collection method: clinical testing. Allele origin: germline.
Comment: Algorithms developed to predict the effect of missense changes on protein structure and function are either unavailable or do not agree on the potential impact of this missense change (SIFT: "Tolerated"; PolyPhen-2: "Possibly Damaging"; Align-GVGD: "Class C0"). In summary, the available evidence is currently insufficient to determine the role of this variant in disease. Therefore, it has been classified as a Variant of Uncertain Significance. This variant has not been reported in the literature in individuals affected with ADGRV1-related conditions. This variant is not present in population databases (gnomAD no frequency). This sequence change replaces serine, which is neutral and polar, with asparagine, which is neutral and polar, at codon 4905 of the ADGRV1 protein (p.Ser4905Asn).

NM_032119.4(ADGRV1):c.14714G>A (p.Ser4905Asn)

Gene: ADGRV1 (adhesion G protein-coupled receptor V1; plus strand). Cytogenetic location: 5q14.3.
Variant type: single nucleotide variant.
Coding change: c.14714G>A on transcript NM_032119.4 (MANE Select); coding-DNA position 14714, G replaced by A.
Protein change: p.Ser4905Asn; replaces serine 4905 with asparagine.
Molecular consequence: missense variant. On other transcripts: non-coding transcript variant (1).
Genome position (GRCh38, 1-based): chr5:90,805,336, G>A. VCF-style: chr5-90805336-G-A. GRCh37 (hg19) VCF-style: chr5-90101153-G-A.
Other names: short protein forms S4905N.
Identifiers: ClinVar variation 1356189 (VCV001356189.6), dbSNP rs867987908, ClinGen allele CA122818324.